The following is an entry in ClinVar:

NM_024312.5(GNPTAB):c.1669A>C (p.Ile557Leu)

Gene: GNPTAB (N-acetylglucosamine-1-phosphate transferase subunits alpha and beta; minus strand). Cytogenetic location: 12q23.2.
Variant type: single nucleotide variant.
Coding change: c.1669A>C on transcript NM_024312.5 (MANE Select); coding-DNA position 1669, A replaced by C.
Protein change: p.Ile557Leu; replaces isoleucine 557 with leucine.
Molecular consequence: missense variant.
Genome position (GRCh38, 1-based): chr12:101,765,248, T>G on the plus strand (A>C on the coding strand, the complement: GNPTAB is on the minus strand). VCF-style: chr12-101765248-T-G. GRCh37 (hg19) VCF-style: chr12-102159026-T-G.
Other names: short protein forms I557L.
Identifiers: ClinVar variation 551806 (VCV000551806.8), dbSNP rs142025274, ClinGen allele CA6746544.

ClinVar aggregate classification (germline): Uncertain significance. Review status: criteria provided, multiple submitters, no conflicts (2 of 4 stars). 5 submissions from 5 submitters: Uncertain significance (3). 2 of the submissions do not count toward it. Last evaluated 2024-09-09.

Conditions:
Mucolipidosis type II. Also called: Mucolipidosis II Alpha/Beta; Mucolipidosis 2; ML 2; Inclusion cell disease; Leroy Disease; N-acetylglucosamine 1phosphotransferase deficiency. Identifiers: Orphanet 576, MedGen C2673377, MONDO:0009650, OMIM 252500.
Pseudo-Hurler polydystrophy. Also called: MUCOLIPIDOSIS IIIA; ML IIIA; Mucolipidosis III Alpha/Beta; Type III Mucolipidosis; ML III; ML III ALPHA/BETA. Identifiers: Orphanet 423461, Orphanet 577, MedGen C0033788, MONDO:0018931, OMIM 252600.

Allele frequency attached by ClinVar (database versions not stated): gnomAD 0.00001 and 0.00002; gnomAD exomes 0.00002 and 0.00006; ESP Exome Variant Server 0.00008; TOPMed 0.00006; ExAC 0.00004.
gnomAD v4.1: 27 of 1,613,880 alleles (0.0017%); highest among the groups gnomAD compares: Admixed American, 0.032%; no homozygotes.

Submissions (5):

Women's Health and Genetics/Laboratory Corporation of America, LabCorp
Classification: Uncertain significance. Last evaluated: 2024-09-09. Review status: criteria provided, single submitter. Criteria: LabCorp Variant Classification Summary - May 2015. Collection method: clinical testing. Allele origin: germline.
Comment: Variant summary: GNPTAB c.1669A>C (p.Ile557Leu) results in a conservative amino acid change in the encoded protein sequence. Five of five in-silico tools predict a benign effect of the variant on protein function. The variant allele was found at a frequency of 5.6e-05 in 250654 control chromosomes. This frequency is not significantly higher than estimated for a pathogenic variant in GNPTAB causing Mucolipidosis (5.6e-05 vs 0.0022), allowing no conclusion about variant significance. To our knowledge, no occurrence of c.1669A>C in individuals affected with Mucolipidosis and no experimental evidence demonstrating its impact on protein function have been reported. ClinVar contains an entry for this variant (Variation ID: 551806). Based on the evidence outlined above, the variant was classified as uncertain significance.

Labcorp Genetics (formerly Invitae), Labcorp
Classification: Uncertain significance for Pseudo-Hurler polydystrophy; Mucolipidosis type II. Last evaluated: 2022-08-22. Review status: criteria provided, single submitter. Criteria: Invitae Variant Classification Sherloc (09022015). Collection method: clinical testing. Allele origin: germline.
Comment: This sequence change replaces isoleucine, which is neutral and non-polar, with leucine, which is neutral and non-polar, at codon 557 of the GNPTAB protein (p.Ile557Leu). This variant is present in population databases (rs142025274, gnomAD 0.04%). This variant has not been reported in the literature in individuals affected with GNPTAB-related conditions. ClinVar contains an entry for this variant (Variation ID: 551806). Advanced modeling of protein sequence and biophysical properties (such as structural, functional, and spatial information, amino acid conservation, physicochemical variation, residue mobility, and thermodynamic stability) performed at Invitae indicates that this missense variant is not expected to disrupt GNPTAB protein function. In summary, the available evidence is currently insufficient to determine the role of this variant in disease. Therefore, it has been classified as a Variant of Uncertain Significance.

Fulgent Genetics
Classification: Uncertain significance for Mucolipidosis type II; Pseudo-Hurler polydystrophy. Last evaluated: 2021-09-10. Review status: criteria provided, single submitter. Criteria: ACMG Guidelines, 2015. Collection method: clinical testing. Allele origin: unknown.

Natera, Inc.
Classification: Uncertain significance for Mucolipidosis type II. Last evaluated: 2020-02-12. Review status: no assertion criteria provided. Collection method: clinical testing. Allele origin: germline. Not counted in ClinVar's aggregate classification.

Counsyl
Classification: Uncertain significance for Mucolipidosis type II; Pseudo-Hurler polydystrophy. Last evaluated: 2017-05-15. Review status: no assertion criteria provided. Collection method: clinical testing. Allele origin: unknown. Not counted in ClinVar's aggregate classification.

Literature cited by the submitters: PubMed 26130485 (cited by Counsyl).